The following is an entry in ClinVar:

NM_000179.3(MSH6):c.1912del (p.Glu639fs)

Gene: MSH6 (mutS homolog 6; plus strand). Cytogenetic location: 2p16.3.
Variant type: Deletion.
Coding change: c.1912del on transcript NM_000179.3 (MANE Select); coding-DNA position 1912, one base deleted (C; older notation c.1912delC).
Protein change: p.Glu639fs; shifts the reading frame from glutamic acid 639.
Molecular consequence: frameshift variant.
Genome position (GRCh38, 1-based): chr2:47,799,895, C deleted; the last of 2 consecutive C bases (chr2:47,799,894-47,799,895); deleting either gives the same sequence. VCF-style (leftmost placement, unchanged base first): chr2-47799893-TC-T. GRCh37 (hg19) VCF-style: chr2-48027032-TC-T.
Other names: c.1912delC (NM_000179.2); c.1522del, p.Glu509fs (NM_001281492.2); c.1006del, p.Glu337fs (NM_001281493.2, NM_001281494.2); short protein forms E337fs, E509fs, E639fs.
Identifiers: ClinVar variation 525846 (VCV000525846.15), dbSNP rs1553413294, ClinGen allele CA658795760.

ClinVar aggregate classification (germline): Pathogenic/Likely pathogenic. Review status: criteria provided, multiple submitters, no conflicts (2 of 4 stars). 5 submissions from 5 submitters: Pathogenic (3); Likely pathogenic (2). Last evaluated 2026-03-03.

Conditions:
Hereditary nonpolyposis colorectal neoplasms. Identifiers: MedGen C0009405, MeSH D003123.
Hereditary cancer-predisposing syndrome. Also called: Tumor predisposition; Hereditary Cancer Syndrome; Neoplastic Syndromes, Hereditary; Hereditary neoplastic syndrome. Identifiers: Orphanet 140162, MedGen C0027672, MeSH D009386, MONDO:0015356.
Hereditary nonpolyposis colon cancer (HNPCC). Also called: Hereditary nonpolyposis colorectal cancer; Familial nonpolyposis colon cancer; Hereditary Nonpolyposis Colorectal Cancer Syndrome. Identifiers: Orphanet 443909, MedGen C1333990, MONDO:0018630. Disease mechanism: loss of function.
Lynch syndrome 5 (LYNCH5). Also called: Colorectal cancer, hereditary nonpolyposis, type 5; Hereditary non-polyposis colorectal cancer, type 5. Identifiers: Orphanet 144, MedGen C1833477, MONDO:0013710, OMIM 614350. Disease mechanism: loss of function.

Submissions (5):

Ambry Genetics
Classification: Pathogenic for Hereditary cancer-predisposing syndrome. Last evaluated: 2026-03-03. Review status: criteria provided, single submitter. Criteria: Ambry Variant Classification Scheme 2023. Collection method: clinical testing. Allele origin: germline.
Comment: The c.1912delC pathogenic mutation, located in coding exon 4 of the MSH6 gene, results from a deletion of one nucleotide at nucleotide position 1912, causing a translational frameshift with a predicted alternate stop codon (p.E639Rfs*9). This variant is considered to be rare based on population cohorts in the Genome Aggregation Database (gnomAD). This alteration is expected to result in loss of function by premature protein truncation or nonsense-mediated mRNA decay. As such, this alteration is interpreted as a disease-causing mutation.

Institute for Genomic Medicine (IGM) Clinical Laboratory, Nationwide Children's Hospital
Classification: Likely pathogenic for Hereditary cancer-predisposing syndrome. Last evaluated: 2023-10-17. Review status: criteria provided, single submitter. Criteria: ACMG Guidelines, 2015. Collection method: clinical testing. Allele origin: germline.
Comment: This variant is predicted to result in loss of function through nonsense-mediated decay of the encoded transcript or premature truncation of the encoded protein in a gene in which loss of function is a known mechanism of disease (ACMG/AMP: PVS1; PMIDs:20587412, 26437257). This variant is absent from or present at an exceedingly low frequency in gnomAD, a large-scale control population database (ACMG/AMP: PM2).

Labcorp Genetics (formerly Invitae), Labcorp
Classification: Pathogenic for Hereditary nonpolyposis colorectal neoplasms. Last evaluated: 2023-09-27. Review status: criteria provided, single submitter. Criteria: Invitae Variant Classification Sherloc (09022015). Collection method: clinical testing. Allele origin: germline.
Comment: ClinVar contains an entry for this variant (Variation ID: 525846). For these reasons, this variant has been classified as Pathogenic. This variant has not been reported in the literature in individuals affected with MSH6-related conditions. This variant is not present in population databases (gnomAD no frequency). This sequence change creates a premature translational stop signal (p.Glu639Argfs*9) in the MSH6 gene. It is expected to result in an absent or disrupted protein product. Loss-of-function variants in MSH6 are known to be pathogenic (PMID: 18269114, 24362816).

Myriad Genetics, Inc.
Classification: Pathogenic for Lynch syndrome 5. Last evaluated: 2023-08-16. Review status: criteria provided, single submitter. Criteria: Myriad Autosomal Dominant, Autosomal Recessive and X-Linked Classification Criteria (2023). Collection method: clinical testing. Allele origin: unknown.
Comment: This variant is considered pathogenic. This variant creates a frameshift predicted to result in premature protein truncation.

Women's Health and Genetics/Laboratory Corporation of America, LabCorp
Classification: Likely pathogenic for Lynch syndrome. Last evaluated: 2019-08-26. Review status: criteria provided, single submitter. Criteria: LabCorp Variant Classification Summary - May 2015. Collection method: clinical testing. Allele origin: germline.
Comment: Variant summary: MSH6 c.1912delC (p.Glu639ArgfsX9) results in a premature termination codon, predicted to cause a truncation of the encoded protein or absence of the protein due to nonsense mediated decay, which are commonly known mechanisms for disease. Truncations downstream of this position have been classified as pathogenic by our laboratory. The variant was absent in 250918 control chromosomes. To our knowledge, no occurrence of c.1912delC in individuals affected with Hereditary Non-Polyposis Colon Cancer and no experimental evidence demonstrating its impact on protein function have been reported. One clinical diagnostic laboratory has submitted clinical-significance assessments for this variant to ClinVar (evaluation after 2014) and cited the variant as pathogenic. Based on the evidence outlined above, the variant was classified as likely pathogenic.

Literature cited by the submitters: PubMed 20587412 (cited by Institute for Genomic Medicine (IGM) Clinical Laboratory, Nationwide Children's Hospital); PubMed 26437257 (cited by Institute for Genomic Medicine (IGM) Clinical Laboratory, Nationwide Children's Hospital); PubMed 18269114 (cited by Labcorp Genetics (formerly Invitae), Labcorp); PubMed 24362816 (cited by Labcorp Genetics (formerly Invitae), Labcorp).